The following is an entry in ClinVar:

ClinVar aggregate classification (germline): Uncertain significance. Review status: criteria provided, multiple submitters, no conflicts (2 of 4 stars). 2 submissions from 2 submitters: Uncertain significance (2). Last evaluated 2026-01-09.

Conditions:
Hereditary cancer-predisposing syndrome. Also called: Tumor predisposition; Hereditary Cancer Syndrome; Neoplastic Syndromes, Hereditary; Hereditary neoplastic syndrome. Identifiers: Orphanet 140162, MedGen C0027672, MeSH D009386, MONDO:0015356.

Allele frequency attached by ClinVar (database versions not stated): TOPMed 0.00001.
gnomAD v4.1: 2 of 1,613,074 alleles (0.00012%); highest among the groups gnomAD compares: Non-Finnish European, 0.00017%; no homozygotes.

Submissions (2):

Ambry Genetics
Classification: Uncertain significance for Hereditary cancer-predisposing syndrome. Last evaluated: 2026-01-09. Review status: criteria provided, single submitter. Criteria: Ambry Variant Classification Scheme 2023. Collection method: clinical testing. Allele origin: germline.
Comment: The p.M447V variant (also known as c.1339A>G), located in coding exon 13 of the POLE gene, results from an A to G substitution at nucleotide position 1339. The methionine at codon 447 is replaced by valine, an amino acid with highly similar properties. This amino acid position is highly conserved in available vertebrate species. In addition, the in silico prediction for this alteration is inconclusive. Based on the available evidence, the clinical significance of this variant remains unclear.

Labcorp Genetics (formerly Invitae), Labcorp
Classification: Uncertain significance. Last evaluated: 2025-02-21. Review status: criteria provided, single submitter. Criteria: Invitae Variant Classification Sherloc (09022015). Collection method: clinical testing. Allele origin: germline.
Comment: This sequence change replaces methionine, which is neutral and non-polar, with valine, which is neutral and non-polar, at codon 447 of the POLE protein (p.Met447Val). This variant is not present in population databases (gnomAD no frequency). This variant has not been reported in the literature in individuals affected with POLE-related conditions. ClinVar contains an entry for this variant (Variation ID: 486110). Invitae Evidence Modeling of protein sequence and biophysical properties (such as structural, functional, and spatial information, amino acid conservation, physicochemical variation, residue mobility, and thermodynamic stability) indicates that this missense variant is expected to disrupt POLE protein function with a positive predictive value of 80%. In summary, the available evidence is currently insufficient to determine the role of this variant in disease. Therefore, it has been classified as a Variant of Uncertain Significance.

NM_006231.4(POLE):c.1339A>G (p.Met447Val)

Gene: POLE (DNA polymerase epsilon, catalytic subunit; minus strand). Cytogenetic location: 12q24.33.
Variant type: single nucleotide variant.
Coding change: c.1339A>G on transcript NM_006231.4 (MANE Select); coding-DNA position 1339, A replaced by G.
Protein change: p.Met447Val; replaces methionine 447 with valine.
Molecular consequence: missense variant.
Genome position (GRCh38, 1-based): chr12:132,673,595, T>C on the plus strand (A>G on the coding strand, the complement: POLE is on the minus strand). VCF-style: chr12-132673595-T-C. GRCh37 (hg19) VCF-style: chr12-133250181-T-C.
Other names: short protein forms M447V.
Identifiers: ClinVar variation 486110 (VCV000486110.16), dbSNP rs376095661, ClinGen allele CA387359181.